The following is an entry in ClinVar:

ClinVar aggregate classification (germline): Conflicting classifications of pathogenicity. Review status: criteria provided, conflicting classifications (1 of 4 stars). 3 submissions from 3 submitters: Uncertain significance (1); Likely benign (1). 1 of the submissions does not count toward it. Last evaluated 2026-02-03.

Conditions:
CIITA-related disorder. Also called: CIITA-related condition.
MHC class II deficiency. Also called: BLS, TYPE II; Bare lymphocyte syndrome 2. Identifiers: Orphanet 572, MedGen C5447452, MONDO:0008855.

Allele frequency attached by ClinVar (database versions not stated): ESP Exome Variant Server 0.00031; gnomAD 0.00020 and 0.00021; TOPMed 0.00025.
gnomAD v4.1: 404 of 1,613,718 alleles (0.025%); highest among the groups gnomAD compares: Admixed American, 0.032%; 1 homozygote.

Submissions (4):

Labcorp Genetics (formerly Invitae), Labcorp
Classification: Likely benign for MHC class II deficiency. Last evaluated: 2026-02-03. Review status: criteria provided, single submitter. Criteria: Invitae Variant Classification Sherloc (09022015). Collection method: clinical testing. Allele origin: germline.

Illumina Laboratory Services, Illumina
Classification: Uncertain significance for MHC class II deficiency 1. Last evaluated: 2018-01-12. Review status: criteria provided, single submitter. Criteria: ICSL Variant Classification Criteria 13 December 2019. Collection method: clinical testing. Allele origin: germline.

PreventionGenetics, part of Exact Sciences
Classification: Likely benign for CIITA-related condition. Last evaluated: 2020-01-28. Review status: no assertion criteria provided. Collection method: clinical testing. Allele origin: germline. Not counted in ClinVar's aggregate classification.
Comment: This variant is classified as likely benign based on ACMG/AMP sequence variant interpretation guidelines (Richards et al. 2015 PMID: 25741868, with internal and published modifications).

Dr. Peter K. Rogan Lab, Western University
No classification provided (evidence only). Condition: Acute myeloid leukemia. Review status: no classification provided. Collection method: in vitro. Allele origin: not applicable. Functional consequence: retained intron. Not counted in ClinVar's aggregate classification.

NM_000246.4(CIITA):c.2892G>A (p.Leu964=)

Gene: CIITA (class II major histocompatibility complex transactivator; plus strand). Cytogenetic location: 16p13.13.
Variant type: single nucleotide variant.
Coding change: c.2892G>A on transcript NM_000246.4 (MANE Select); coding-DNA position 2892, G replaced by A.
Protein change: p.Leu964=; no amino-acid change (leucine 964 retained).
Molecular consequence: synonymous variant. On other transcripts: non-coding transcript variant (1).
Genome position (GRCh38, 1-based): chr16:10,915,573, G>A. VCF-style: chr16-10915573-G-A. GRCh37 (hg19) VCF-style: chr16-11009430-G-A.
Other names: c.2895G>A, p.Leu965= (NM_001286402.1, NM_001379332.1); c.1140G>A, p.Leu380= (NM_001286403.2); c.2748G>A, p.Leu916= (NM_001379330.1); c.2745G>A, p.Leu915= (NM_001379331.1); c.2892G>A, p.Leu964= (NM_001379333.1); c.2823G>A, p.Leu941= (NM_001379334.1).
Identifiers: ClinVar variation 459196 (VCV000459196.19), dbSNP rs200599265, ClinGen allele CA7900575.